The following is an entry in ClinVar:

NM_020297.4(ABCC9):c.364T>G (p.Tyr122Asp)

Gene: ABCC9 (ATP binding cassette subfamily C member 9; minus strand). Cytogenetic location: 12p12.1.
Variant type: single nucleotide variant.
Coding change: c.364T>G on transcript NM_020297.4 (MANE Select); coding-DNA position 364, T replaced by G.
Protein change: p.Tyr122Asp; replaces tyrosine 122 with aspartic acid.
Molecular consequence: missense variant. On other transcripts: 5 prime UTR variant (1).
Genome position (GRCh38, 1-based): chr12:21,925,984, A>C on the plus strand (T>G on the coding strand, the complement: ABCC9 is on the minus strand). VCF-style: chr12-21925984-A-C. GRCh37 (hg19) VCF-style: chr12-22078918-A-C.
Other names: c.364T>G, p.Tyr122Asp (NM_001377273.1, NM_005691.4); c.-91T>G (NM_001377274.1); short protein forms Y122D.
Identifiers: ClinVar variation 1509918 (VCV001509918.6), dbSNP rs2137999579, ClinGen allele CA384129349.

ClinVar aggregate classification (germline): Uncertain significance (1 of 4 stars; one submission).

Conditions:
Dilated cardiomyopathy 1O (CMD1O). Also called: CARDIOMYOPATHY, DILATED, WITH VENTRICULAR TACHYCARDIA. Identifiers: Orphanet 154, MedGen C1837839, MONDO:0012062, OMIM 608569.

Submission:

Labcorp Genetics (formerly Invitae), Labcorp
Classification: Uncertain significance for Dilated cardiomyopathy 1O. Last evaluated: 2021-08-03. Review status: criteria provided, single submitter. Criteria: Invitae Variant Classification Sherloc (09022015). Collection method: clinical testing. Allele origin: germline.
Comment: This sequence change replaces tyrosine with aspartic acid at codon 122 of the ABCC9 protein (p.Tyr122Asp). The tyrosine residue is highly conserved and there is a large physicochemical difference between tyrosine and aspartic acid. This variant has not been reported in the literature in individuals affected with ABCC9-related conditions. This variant is not present in population databases (ExAC no frequency). In summary, the available evidence is currently insufficient to determine the role of this variant in disease. Therefore, it has been classified as a Variant of Uncertain Significance. Algorithms developed to predict the effect of missense changes on protein structure and function are either unavailable or do not agree on the potential impact of this missense change (SIFT: "Deleterious"; PolyPhen-2: "Probably Damaging"; Align-GVGD: "Class C0").